The following is an entry in ClinVar:

NM_005902.4(SMAD3):c.1081G>A (p.Glu361Lys)

Gene: SMAD3 (SMAD family member 3; plus strand). Cytogenetic location: 15q22.33.
Variant type: single nucleotide variant.
Coding change: c.1081G>A on transcript NM_005902.4 (MANE Select); coding-DNA position 1081, G replaced by A.
Protein change: p.Glu361Lys; replaces glutamic acid 361 with lysine.
Molecular consequence: missense variant.
Genome position (GRCh38, 1-based): chr15:67,187,436, G>A. VCF-style: chr15-67187436-G-A. GRCh37 (hg19) VCF-style: chr15-67479774-G-A.
Other names: c.766G>A, p.Glu256Lys (NM_001145102.2); c.949G>A, p.Glu317Lys (NM_001145103.2); c.496G>A, p.Glu166Lys (NM_001145104.2); short protein forms E361K, E166K, E317K, E256K.
Identifiers: ClinVar variation 425071 (VCV000425071.48), dbSNP rs387906856, ClinGen allele CA16621675.

ClinVar aggregate classification (germline): Uncertain significance. Review status: criteria provided, multiple submitters, no conflicts (2 of 4 stars). 2 submissions from 2 submitters: Uncertain significance (2). Last evaluated 2020-12-23.

Conditions:
Familial thoracic aortic aneurysm and aortic dissection (TAAD). Also called: Thoracic aortic aneurysms and dissections. Identifiers: Orphanet 91387, MedGen C4707243, MONDO:0019625.

Submissions (2):

Labcorp Genetics (formerly Invitae), Labcorp
Classification: Uncertain significance for Familial thoracic aortic aneurysm and aortic dissection. Last evaluated: 2020-12-23. Review status: criteria provided, single submitter. Criteria: Invitae Variant Classification Sherloc (09022015). Collection method: clinical testing. Allele origin: germline.
Comment: This sequence change replaces glutamic acid with lysine at codon 361 of the SMAD3 protein (p.Glu361Lys). The glutamic acid residue is highly conserved and there is a small physicochemical difference between glutamic acid and lysine. This variant is not present in population databases (ExAC no frequency). This variant has not been reported in the literature in individuals with SMAD3-related conditions. ClinVar contains an entry for this variant (Variation ID: 425071). Advanced modeling of protein sequence and biophysical properties (such as structural, functional, and spatial information, amino acid conservation, physicochemical variation, residue mobility, and thermodynamic stability) performed at Invitae indicates that this missense variant is expected to disrupt SMAD3 protein function. In summary, the available evidence is currently insufficient to determine the role of this variant in disease. Therefore, it has been classified as a Variant of Uncertain Significance.

CeGaT Center for Human Genetics Tuebingen
Classification: Uncertain significance. Last evaluated: 2016-05-01. Review status: criteria provided, single submitter. Criteria: CeGaT Center For Human Genetics Tuebingen Variant Classification Criteria Version 2. Collection method: clinical testing. Allele origin: germline. Affected: yes. Observed: 1 variant allele.